The following is an entry in ClinVar:

NM_199355.4(ADAMTS18):c.841C>T (p.Arg281Ter)

Gene: ADAMTS18 (ADAM metallopeptidase with thrombospondin type 1 motif 18; minus strand). Cytogenetic location: 16q23.1.
Variant type: single nucleotide variant.
Coding change: c.841C>T on transcript NM_199355.4 (MANE Select); coding-DNA position 841, C replaced by T.
Protein change: p.Arg281Ter; replaces arginine 281 with a stop codon.
Molecular consequence: nonsense.
Genome position (GRCh38, 1-based): chr16:77,364,319, G>A on the plus strand (C>T on the coding strand, the complement: ADAMTS18 is on the minus strand). VCF-style: chr16-77364319-G-A. GRCh37 (hg19) VCF-style: chr16-77398216-G-A.
Other names: c.325C>T, p.Arg109Ter (NM_001326358.2); short protein forms R109*, R281*.
Identifiers: ClinVar variation 4531261 (VCV004531261.1).

ClinVar aggregate classification (germline): Pathogenic (1 of 4 stars; one submission).

Conditions:
Microcornea-myopic chorioretinal atrophy. Also called: Microcornea, myopic chorioretinal atrophy, and telecanthus. Identifiers: Orphanet 369970, MedGen C3809567, MONDO:0014195, OMIM 615458.

gnomAD v4.1: 4 of 1,613,812 alleles (0.00025%); highest among the groups gnomAD compares: East Asian, 0.0022%; no homozygotes.

Submission:

Juno Genomics, Hangzhou Juno Genomics, Inc
Classification: Pathogenic for Microcornea-myopic chorioretinal atrophy. Review status: criteria provided, single submitter. Criteria: ACMG Guidelines, 2015. Collection method: clinical testing. Allele origin: germline. Affected: yes.
Comment: Absent from controls (or at extremely low frequency if recessive) in Genome Aggregation Database, Exome Sequencing Project, 1000 Genomes Project, or Exome Aggregation Consortium.;Null variant in a gene where loss of function (LOF) is a known mechanism of disease.;Patient's phenotype or family history is highly specific for a disease with a single genetic etiology.